The following is an entry in ClinVar:

ClinVar aggregate classification (germline): Pathogenic (1 of 4 stars; one submission).

Conditions:
MC4R-related disorder. Also called: MC4R-related condition.

Submission:

PreventionGenetics, part of Exact Sciences
Classification: Pathogenic for MC4R-related condition. Last evaluated: 2026-02-10. Review status: criteria provided, single submitter. Criteria: ACMG Guidelines, 2015. Collection method: clinical testing. Allele origin: germline.
Comment: The MC4R c.48dupG variant is predicted to result in a frameshift and premature protein termination (p.Asn17Glufs*13). This variant is also referred to as 47-48insG or InsG48 in the literature. It has been reported in individuals with obesity as well as in unaffected family members (see for example: Vaisse et al. 2000. PubMed ID: 10903341; Lubrano-Berthelier et al. 2006. PubMed ID: 16507637; Stutzmann et al. 2008. PubMed ID: 18559663). In vitro experimental studies indicate this variant affects protein function (Lubrano-Berthelier et al. 2006. PubMed ID: 16507637). This variant is reported in 0.0016% of alleles in individuals of European (non-Finnish) descent in gnomAD. Frameshift variants in MC4R are expected to be pathogenic. This variant is interpreted as pathogenic.

NM_005912.3(MC4R):c.48dup (p.Asn17fs)

Gene: MC4R (melanocortin 4 receptor; minus strand). Cytogenetic location: 18q21.32.
Variant type: Duplication.
Coding change: c.48dup on transcript NM_005912.3 (MANE Select); coding-DNA position 48, one base duplicated (G; older notation c.48dupG).
Protein change: p.Asn17fs; shifts the reading frame from asparagine 17.
Molecular consequence: frameshift variant.
Genome position (GRCh38, 1-based): chr18:60,372,302, C duplicated on the plus strand (G on the coding strand, the reverse complement: MC4R is on the minus strand); the first of 2 consecutive C bases (chr18:60,372,302-60,372,303); duplicating either gives the same sequence. VCF-style (leftmost placement, unchanged base first): chr18-60372301-T-TC. GRCh37 (hg19) VCF-style: chr18-58039534-T-TC.
Other names: short protein forms N17fs.
Identifiers: ClinVar variation 3354801 (VCV003354801.2).